The following is an entry in ClinVar:

NM_000487.6(ARSA):c.1252G>A (p.Ala418Thr)

Gene: ARSA (arylsulfatase A; minus strand). Cytogenetic location: 22q13.33.
Variant type: single nucleotide variant.
Coding change: c.1252G>A on transcript NM_000487.6 (MANE Select); coding-DNA position 1252, G replaced by A.
Protein change: p.Ala418Thr; replaces alanine 418 with threonine.
Molecular consequence: missense variant.
Genome position (GRCh38, 1-based): chr22:50,625,423, C>T on the plus strand (G>A on the coding strand, the complement: ARSA is on the minus strand). VCF-style: chr22-50625423-C-T. GRCh37 (hg19) VCF-style: chr22-51063851-C-T.
Other names: c.1252G>A, p.Ala418Thr (NM_001085425.3, NM_001085426.3, NM_001085427.3); c.994G>A, p.Ala332Thr (NM_001085428.3, NM_001362782.2); short protein forms A332T, A418T.
Identifiers: ClinVar variation 2201825 (VCV002201825.3), dbSNP rs377610043, ClinGen allele CA10324760.

ClinVar aggregate classification (germline): Uncertain significance (1 of 4 stars; one submission).

Conditions:
Metachromatic leukodystrophy (MLD). Also called: METACHROMATIC LEUKOENCEPHALOPATHY; SULFATIDE LIPIDOSIS; ARSA DEFICIENCY; CEREBROSIDE SULFATASE DEFICIENCY; Arylsulfatase A Deficiency; Cerebral sclerosis diffuse metachromatic form. Identifiers: Orphanet 512, MedGen C0023522, MONDO:0018868, OMIM 250100.

Allele frequency attached by ClinVar (database versions not stated): gnomAD 0.00002; gnomAD exomes 0.00002; TOPMed 0.00003; ExAC 0.00004; ESP Exome Variant Server 0.00008; 1000 Genomes Project 0.00020; 1000 Genomes Project 30x 0.00031.

Submission:

Labcorp Genetics (formerly Invitae), Labcorp
Classification: Uncertain significance for Metachromatic leukodystrophy. Last evaluated: 2022-01-15. Review status: criteria provided, single submitter. Criteria: Invitae Variant Classification Sherloc (09022015). Collection method: clinical testing. Allele origin: germline.
Comment: This sequence change replaces alanine, which is neutral and non-polar, with threonine, which is neutral and polar, at codon 418 of the ARSA protein (p.Ala418Thr). This variant is present in population databases (rs377610043, gnomAD 0.007%). This variant has not been reported in the literature in individuals affected with ARSA-related conditions. Advanced modeling of protein sequence and biophysical properties (such as structural, functional, and spatial information, amino acid conservation, physicochemical variation, residue mobility, and thermodynamic stability) performed at Invitae indicates that this missense variant is expected to disrupt ARSA protein function. In summary, the available evidence is currently insufficient to determine the role of this variant in disease. Therefore, it has been classified as a Variant of Uncertain Significance.